The following is an entry in ClinVar:

ClinVar aggregate classification (germline): Likely benign (0 of 4 stars; one submission).

Conditions:
NLRP2-related disorder. Also called: NLRP2-related condition.

Allele frequency attached by ClinVar (database versions not stated): gnomAD 0.00014; TOPMed 0.00049; gnomAD exomes 0.00054; ExAC 0.00095.
gnomAD v4.1: 342 of 1,613,604 alleles (0.021%); highest among the groups gnomAD compares: Admixed American, 0.57%; 2 homozygotes.

Submission:

PreventionGenetics, part of Exact Sciences
Classification: Likely benign for NLRP2-related condition. Last evaluated: 2020-08-04. Review status: no assertion criteria provided. Collection method: clinical testing. Allele origin: germline.
Comment: This variant is classified as likely benign based on ACMG/AMP sequence variant interpretation guidelines (Richards et al. 2015 PMID: 25741868, with internal and published modifications).

NM_017852.5(NLRP2):c.1962A>G (p.Ser654=)

Gene: NLRP2 (NLR family pyrin domain containing 2; plus strand). Cytogenetic location: 19q13.42.
Variant type: single nucleotide variant.
Coding change: c.1962A>G on transcript NM_017852.5 (MANE Select); coding-DNA position 1962, A replaced by G.
Protein change: p.Ser654=; no amino-acid change (serine 654 retained).
Molecular consequence: synonymous variant. On other transcripts: non-coding transcript variant (1).
Genome position (GRCh38, 1-based): chr19:54,983,660, A>G. VCF-style: chr19-54983660-A-G. GRCh37 (hg19) VCF-style: chr19-55495028-A-G.
Other names: c.1962A>G, p.Ser654= (NM_001174081.3); c.1896A>G, p.Ser632= (NM_001174082.3); c.1893A>G, p.Ser631= (NM_001174083.2); c.1953A>G, p.Ser651= (NM_001348003.2).
Identifiers: ClinVar variation 3047266 (VCV003047266.2), dbSNP rs748674567, ClinGen allele CA310105984.